The following is an entry in ClinVar:

NM_004055.5(CAPN5):c.564C>G (p.Asp188Glu)

Gene: CAPN5 (calpain 5; plus strand). Cytogenetic location: 11q13.5.
Variant type: single nucleotide variant.
Coding change: c.564C>G on transcript NM_004055.5 (MANE Select); coding-DNA position 564, C replaced by G.
Protein change: p.Asp188Glu; replaces aspartic acid 188 with glutamic acid.
Molecular consequence: missense variant.
Genome position (GRCh38, 1-based): chr11:77,114,299, C>G. VCF-style: chr11-77114299-C-G. GRCh37 (hg19) VCF-style: chr11-76825345-C-G.
Other names: short protein forms D188E.
Identifiers: ClinVar variation 1042658 (VCV001042658.8), dbSNP rs781820376, ClinGen allele CA6196476.

ClinVar aggregate classification (germline): Uncertain significance (1 of 4 stars; one submission).

Allele frequency attached by ClinVar (database versions not stated): TOPMed below 0.00001; ExAC 0.00001.

Submission:

Labcorp Genetics (formerly Invitae), Labcorp
Classification: Uncertain significance. Last evaluated: 2020-07-22. Review status: criteria provided, single submitter. Criteria: Invitae Variant Classification Sherloc (09022015). Collection method: clinical testing. Allele origin: germline.
Comment: This variant is present in population databases (rs781820376, ExAC 0.001%). This sequence change replaces aspartic acid with glutamic acid at codon 188 of the CAPN5 protein (p.Asp188Glu). The aspartic acid residue is moderately conserved and there is a small physicochemical difference between aspartic acid and glutamic acid. In summary, the available evidence is currently insufficient to determine the role of this variant in disease. Therefore, it has been classified as a Variant of Uncertain Significance. Algorithms developed to predict the effect of missense changes on protein structure and function are either unavailable or do not agree on the potential impact of this missense change (SIFT: "Deleterious"; PolyPhen-2: "Probably Damaging"; Align-GVGD: "Class C0"). This variant has not been reported in the literature in individuals with CAPN5-related conditions.